The following is an entry in ClinVar:

ClinVar aggregate classification (germline): Uncertain significance (1 of 4 stars; one submission).

Conditions:
Adams-Oliver syndrome 5 (AOS5). Identifiers: Orphanet 974, MedGen C4014970, MONDO:0014459, OMIM 616028.

Submission:

Labcorp Genetics (formerly Invitae), Labcorp
Classification: Uncertain significance for Adams-Oliver syndrome 5. Last evaluated: 2018-03-07. Review status: criteria provided, single submitter. Criteria: Invitae Variant Classification Sherloc (09022015). Collection method: clinical testing. Allele origin: germline.
Comment: In summary, the available evidence is currently insufficient to determine the role of this variant in disease. Therefore, it has been classified as a Variant of Uncertain Significance. Algorithms developed to predict the effect of missense changes on protein structure and function output the following: SIFT: "Deleterious"; PolyPhen-2: "Benign"; Align-GVGD: "Class C0". The asparagine amino acid residue is found in multiple mammalian species, suggesting that this missense change does not adversely affect protein function. These predictions have not been confirmed by published functional studies and their clinical significance is uncertain. This variant has not been reported in the literature in individuals with NOTCH1-related disease. This variant is not present in population databases (ExAC no frequency). This sequence change replaces aspartic acid with asparagine at codon 1124 of the NOTCH1 protein (p.Asp1124Asn). The aspartic acid residue is highly conserved and there is a small physicochemical difference between aspartic acid and asparagine.

NM_017617.5(NOTCH1):c.3370G>A (p.Asp1124Asn)

Gene: NOTCH1 (notch receptor 1; minus strand). Cytogenetic location: 9q34.3.
Variant type: single nucleotide variant.
Coding change: c.3370G>A on transcript NM_017617.5 (MANE Select); coding-DNA position 3370, G replaced by A.
Protein change: p.Asp1124Asn; replaces aspartic acid 1124 with asparagine.
Molecular consequence: missense variant.
Genome position (GRCh38, 1-based): chr9:136,508,095, C>T on the plus strand (G>A on the coding strand, the complement: NOTCH1 is on the minus strand). VCF-style: chr9-136508095-C-T. GRCh37 (hg19) VCF-style: chr9-139402547-C-T.
Other names: c.3370G>A, p.Asp1124Asn (LRG_1122t1); short protein forms D1124N.
Identifiers: ClinVar variation 581333 (VCV000581333.8), dbSNP rs1564192948, ClinGen allele CA375551482.